The following is an entry in ClinVar:

NM_144643.4(SCLT1):c.218A>G (p.Gln73Arg)

Gene: SCLT1 (sodium channel and clathrin linker 1; minus strand). Cytogenetic location: 4q28.2.
Variant type: single nucleotide variant.
Coding change: c.218A>G on transcript NM_144643.4 (MANE Select); coding-DNA position 218, A replaced by G.
Protein change: p.Gln73Arg; replaces glutamine 73 with arginine.
Molecular consequence: missense variant.
Genome position (GRCh38, 1-based): chr4:129,043,411, T>C on the plus strand (A>G on the coding strand, the complement: SCLT1 is on the minus strand). VCF-style: chr4-129043411-T-C. GRCh37 (hg19) VCF-style: chr4-129964566-T-C.
Other names: c.218A>G, p.Gln73Arg (NM_001300897.2, NM_001300898.2, NM_001410807.1); short protein forms Q73R.
Identifiers: ClinVar variation 1967566 (VCV001967566.4), dbSNP rs531089098, ClinGen allele CA3080038.

ClinVar aggregate classification (germline): Uncertain significance (1 of 4 stars; one submission).

Allele frequency attached by ClinVar (database versions not stated): gnomAD 0.00001; TOPMed 0.00001; 1000 Genomes Project 30x 0.00016; 1000 Genomes Project 0.00020.
gnomAD v4.1: 3 of 1,521,984 alleles (0.0002%); highest among the groups gnomAD compares: Admixed American, 0.0055%; no homozygotes.

Submission:

Labcorp Genetics (formerly Invitae), Labcorp
Classification: Uncertain significance. Last evaluated: 2025-02-10. Review status: criteria provided, single submitter. Criteria: Invitae Variant Classification Sherloc (09022015). Collection method: clinical testing. Allele origin: germline.
Comment: This sequence change replaces glutamine, which is neutral and polar, with arginine, which is basic and polar, at codon 73 of the SCLT1 protein (p.Gln73Arg). This variant is present in population databases (rs531089098, gnomAD 0.003%). This variant has not been reported in the literature in individuals affected with SCLT1-related conditions. ClinVar contains an entry for this variant (Variation ID: 1967566). An algorithm developed to predict the effect of missense changes on protein structure and function (PolyPhen-2) suggests that this variant is likely to be disruptive. In summary, the available evidence is currently insufficient to determine the role of this variant in disease. Therefore, it has been classified as a Variant of Uncertain Significance.